The following is an entry in ClinVar:

NM_000082.4(ERCC8):c.430G>A (p.Val144Ile)

Gene: ERCC8 (ERCC excision repair 8, CSA ubiquitin ligase complex subunit; minus strand). Cytogenetic location: 5q12.1.
Variant type: single nucleotide variant.
Coding change: c.430G>A on transcript NM_000082.4 (MANE Select); coding-DNA position 430, G replaced by A.
Protein change: p.Val144Ile; replaces valine 144 with isoleucine.
Molecular consequence: missense variant. On other transcripts: intron variant (1).
Genome position (GRCh38, 1-based): chr5:60,904,843, C>T on the plus strand (G>A on the coding strand, the complement: ERCC8 is on the minus strand). VCF-style: chr5-60904843-C-T. GRCh37 (hg19) VCF-style: chr5-60200670-C-T.
Other names: c.256G>A, p.Val86Ile (NM_001007233.3); c.430G>A, p.Val144Ile (NM_001007234.3); c.23-1127G>A (NM_001290285.2); short protein forms V144I, V86I.
Identifiers: ClinVar variation 354018 (VCV000354018.7), dbSNP rs192695896, ClinGen allele CA3277847.

ClinVar aggregate classification (germline): Uncertain significance. Review status: criteria provided, multiple submitters, no conflicts (2 of 4 stars). 3 submissions from 3 submitters: Uncertain significance (3). Last evaluated 2022-08-19.

Conditions:
Cockayne syndrome type 1. Also called: Cockayne syndrome type I; Cockayne syndrome classical; Cockayne syndrome classic form. Identifiers: Orphanet 191, Orphanet 90321, MedGen C0751039, MONDO:0019569, OMIM 216400.

Allele frequency attached by ClinVar (database versions not stated): gnomAD exomes 0.00005 and 0.00006; gnomAD 0.00006 and 0.00007; ExAC 0.00007; ESP Exome Variant Server 0.00008; 1000 Genomes Project 30x 0.00016; 1000 Genomes Project 0.00020.

Submissions (3):

Labcorp Genetics (formerly Invitae), Labcorp
Classification: Uncertain significance. Last evaluated: 2022-08-19. Review status: criteria provided, single submitter. Criteria: Invitae Variant Classification Sherloc (09022015). Collection method: clinical testing. Allele origin: germline.
Comment: This sequence change replaces valine, which is neutral and non-polar, with isoleucine, which is neutral and non-polar, at codon 144 of the ERCC8 protein (p.Val144Ile). This variant is present in population databases (rs192695896, gnomAD 0.009%). This variant has not been reported in the literature in individuals affected with ERCC8-related conditions. ClinVar contains an entry for this variant (Variation ID: 354018). Algorithms developed to predict the effect of missense changes on protein structure and function output the following: SIFT: "Tolerated"; PolyPhen-2: "Benign"; Align-GVGD: "Class C0". The isoleucine amino acid residue is found in multiple mammalian species, which suggests that this missense change does not adversely affect protein function. In summary, the available evidence is currently insufficient to determine the role of this variant in disease. Therefore, it has been classified as a Variant of Uncertain Significance.

Illumina Laboratory Services, Illumina
Classification: Uncertain significance for Cockayne syndrome type 1. Last evaluated: 2018-01-13. Review status: criteria provided, single submitter. Criteria: ICSL Variant Classification Criteria 13 December 2019. Collection method: clinical testing. Allele origin: germline.

Breakthrough Genomics
Classification: Uncertain significance. Review status: criteria provided, single submitter. Criteria: ACMG Guidelines, 2015. Collection method: not provided. Allele origin: germline. Inheritance: Autosomal recessive inheritance. Affected: yes.